The following is an entry in ClinVar:

NM_001083961.2(WDR62):c.3857G>A (p.Arg1286His)

Gene: WDR62 (WD repeat domain 62; plus strand). Cytogenetic location: 19q13.12.
Variant type: single nucleotide variant.
Coding change: c.3857G>A on transcript NM_001083961.2 (MANE Select); coding-DNA position 3857, G replaced by A.
Protein change: p.Arg1286His; replaces arginine 1286 with histidine.
Molecular consequence: missense variant.
Genome position (GRCh38, 1-based): chr19:36,103,685, G>A. VCF-style: chr19-36103685-G-A. GRCh37 (hg19) VCF-style: chr19-36594587-G-A.
Other names: p.Arg1286His; c.3842G>A, p.Arg1281His (NM_173636.5); short protein forms R1281H, R1286H.
Identifiers: ClinVar variation 891139 (VCV000891139.6), dbSNP rs371385084, ClinGen allele CA9396407.
Genomic context (GRCh38, chr19:36,103,685, plus strand): 5'-AGGCCATCACCACCGCGACAACACCCAGTTTGGACAGTGAGGGCCAAGAGCCTGCCCTGC[G>A]TTCCTGGGGCAACCACGAGGCCCGGGCCAACCTGAGACTGACCCTGTCAAGTGCCTGTGA-3'
Protein context (NP_001077430.1, residues 1276-1296): LDSEGQEPAL[Arg1286His]SWGNHEARAN

ClinVar aggregate classification (germline): Conflicting classifications of pathogenicity. Review status: criteria provided, conflicting classifications (1 of 4 stars). 3 submissions from 3 submitters: Uncertain significance (2); Likely benign (1). Last evaluated 2025-04-24.

Conditions:
Inborn genetic diseases. Identifiers: MedGen C0950123, MeSH D030342.
Microcephaly 2, primary, autosomal recessive, with or without cortical malformations. Also called: WDR62 Primary Microcephaly; MICROCEPHALY 2, PRIMARY, AUTOSOMAL RECESSIVE, WITH CORTICAL MALFORMATIONS. Identifiers: Orphanet 2512, MedGen C1858535, MONDO:0011435, OMIM 604317.

Allele frequency attached by ClinVar (database versions not stated): gnomAD exomes 0.00002 and 0.00003; TOPMed 0.00003; ExAC 0.00004; gnomAD 0.00004 and 0.00005; ESP Exome Variant Server 0.00008; 1000 Genomes Project 30x 0.00016; 1000 Genomes Project 0.00020.
gnomAD v4.1: 40 of 1,610,304 alleles (0.0025%); highest among the groups gnomAD compares: African/African-American, 0.011%; no homozygotes.

Submissions (3):

Ambry Genetics
Classification: Likely benign for Inborn genetic diseases. Last evaluated: 2025-04-24. Review status: criteria provided, single submitter. Criteria: Ambry Variant Classification Scheme 2023. Collection method: clinical testing. Allele origin: germline.

Mayo Clinic Laboratories, Mayo Clinic
Classification: Uncertain significance. Last evaluated: 2022-07-21. Review status: criteria provided, single submitter. Criteria: ACMG Guidelines, 2015. Collection method: clinical testing. Allele origin: germline. Observed: 1 variant allele.
Comment: BP4, PM2

Illumina Laboratory Services, Illumina
Classification: Uncertain significance for Microcephaly 2, primary, autosomal recessive, with or without cortical malformations. Last evaluated: 2018-01-12. Review status: criteria provided, single submitter. Criteria: ICSL Variant Classification Criteria 13 December 2019. Collection method: clinical testing. Allele origin: germline.